The following is an entry in ClinVar:

NM_198904.4(GABRG2):c.*1427C>T

Gene: GABRG2 (gamma-aminobutyric acid type A receptor subunit gamma2; plus strand). Cytogenetic location: 5q34.
Variant type: single nucleotide variant.
Coding change: c.*1427C>T on transcript NM_198904.4 (MANE Select); 1427 bases downstream of the stop codon, C replaced by T.
Molecular consequence: 3 prime UTR variant.
Genome position (GRCh38, 1-based): chr5:162,154,795, C>T. VCF-style: chr5-162154795-C-T. GRCh37 (hg19) VCF-style: chr5-161581801-C-T.
Other names: c.*1427C>T (NM_000816.3, NM_001375339.1, NM_001375341.1 and 10 more transcripts); c.*1689C>T (NM_001375340.1).
Identifiers: ClinVar variation 352661 (VCV000352661.34), dbSNP rs375013278, ClinGen allele CA10623931.

ClinVar aggregate classification (germline): Conflicting classifications of pathogenicity. Review status: criteria provided, conflicting classifications (1 of 4 stars). 2 submissions from 2 submitters: Uncertain significance (1); Benign (1). Last evaluated 2022-10-01.

Conditions:
EPILEPSY, CHILDHOOD ABSENCE, SUSCEPTIBILITY TO, 2 (ECA2). Identifiers: Orphanet 64280, MedGen C1843244, OMIM 607681.

Allele frequency attached by ClinVar (database versions not stated): 1000 Genomes Project 30x 0.00031; TOPMed 0.00035; gnomAD 0.00037; 1000 Genomes Project 0.00040.

Submissions (2):

CeGaT Center for Human Genetics Tuebingen
Classification: Benign. Last evaluated: 2022-10-01. Review status: criteria provided, single submitter. Criteria: CeGaT Center For Human Genetics Tuebingen Variant Classification Criteria Version 2. Collection method: clinical testing. Allele origin: germline. Affected: yes. Observed: 1 variant allele.
Comment: GABRG2: BS1, BS2

Illumina Laboratory Services, Illumina
Classification: Uncertain significance for Febrile seizures, familial, 8. Last evaluated: 2018-01-13. Review status: criteria provided, single submitter. Criteria: ICSL Variant Classification Criteria 13 December 2019. Collection method: clinical testing. Allele origin: germline.